The following is an entry in ClinVar:

ClinVar aggregate classification (germline): Uncertain significance. Review status: criteria provided, multiple submitters, no conflicts (2 of 4 stars). 2 submissions from 2 submitters: Uncertain significance (2). Last evaluated 2022-12-13.

Conditions:
Glanzmann thrombasthenia. Also called: BLEEDING DISORDER, PLATELET-TYPE, 2; THROMBASTHENIA OF GLANZMANN AND NAEGELI; Thrombasthenia; PLATELET GLYCOPROTEIN IIb-IIIa DEFICIENCY; Glanzmann's thrombasthenia. Identifiers: Orphanet 849, MedGen C0040015, MONDO:0100326.
Inborn genetic diseases. Identifiers: MedGen C0950123, MeSH D030342.

Allele frequency attached by ClinVar (database versions not stated): TOPMed below 0.00001; gnomAD 0.00001.
gnomAD v4.1: 4 of 1,611,358 alleles (0.00025%); highest among the groups gnomAD compares: Non-Finnish European, 0.00034%; no homozygotes.

Submissions (2):

Ambry Genetics
Classification: Uncertain significance for Inborn genetic diseases. Last evaluated: 2022-12-13. Review status: criteria provided, single submitter. Criteria: Ambry Variant Classification Scheme 2023. Collection method: clinical testing. Allele origin: germline.

Labcorp Genetics (formerly Invitae), Labcorp
Classification: Uncertain significance for Glanzmann thrombasthenia. Last evaluated: 2022-09-23. Review status: criteria provided, single submitter. Criteria: Invitae Variant Classification Sherloc (09022015). Collection method: clinical testing. Allele origin: germline.
Comment: In summary, the available evidence is currently insufficient to determine the role of this variant in disease. Therefore, it has been classified as a Variant of Uncertain Significance. Advanced modeling of protein sequence and biophysical properties (such as structural, functional, and spatial information, amino acid conservation, physicochemical variation, residue mobility, and thermodynamic stability) performed at Invitae indicates that this missense variant is not expected to disrupt ITGA2B protein function. This variant has not been reported in the literature in individuals affected with ITGA2B-related conditions. This variant is not present in population databases (gnomAD no frequency). This sequence change replaces glycine, which is neutral and non-polar, with aspartic acid, which is acidic and polar, at codon 83 of the ITGA2B protein (p.Gly83Asp).

NM_000419.5(ITGA2B):c.248G>A (p.Gly83Asp)

Gene: ITGA2B (integrin subunit alpha 2b; minus strand). Cytogenetic location: 17q21.31.
Variant type: single nucleotide variant.
Coding change: c.248G>A on transcript NM_000419.5 (MANE Select); coding-DNA position 248, G replaced by A.
Protein change: p.Gly83Asp; replaces glycine 83 with aspartic acid.
Molecular consequence: missense variant.
Genome position (GRCh38, 1-based): chr17:44,386,072, C>T on the plus strand (G>A on the coding strand, the complement: ITGA2B is on the minus strand). VCF-style: chr17-44386072-C-T. GRCh37 (hg19) VCF-style: chr17-42463440-C-T.
Other names: short protein forms G83D.
Identifiers: ClinVar variation 2173034 (VCV002173034.5), dbSNP rs2048646352, ClinGen allele CA399806421.